The following is an entry in ClinVar:

ClinVar aggregate classification (germline): Uncertain significance (1 of 4 stars; one submission).

Submission:

CeGaT Center for Human Genetics Tuebingen
Classification: Uncertain significance. Last evaluated: 2023-02-01. Review status: criteria provided, single submitter. Criteria: CeGaT Center For Human Genetics Tuebingen Variant Classification Criteria Version 2. Collection method: clinical testing. Allele origin: germline. Affected: yes. Observed: 1 variant allele.
Comment: PSMD6: PM2

NM_014814.3(PSMD6):c.877C>T (p.Arg293Ter)

Genes: PSMD6 (proteasome 26S subunit, non-ATPase 6; minus strand), PSMD6-AS1 (PSMD6 antisense RNA 1; plus strand). Cytogenetic location: 3p14.1.
Variant type: single nucleotide variant.
Coding change: c.877C>T on transcript NM_014814.3 (MANE Select); coding-DNA position 877, C replaced by T.
Protein change: p.Arg293Ter; replaces arginine 293 with a stop codon.
Molecular consequence: nonsense.
Genome position (GRCh38, 1-based): chr3:64,013,557, G>A on the plus strand (C>T on the coding strand, the complement: PSMD6 is on the minus strand). VCF-style: chr3-64013557-G-A. GRCh37 (hg19) VCF-style: chr3-63999233-G-A.
Other names: c.1036C>T, p.Arg346Ter (NM_001271779.2); c.763C>T, p.Arg255Ter (NM_001271780.2); c.760C>T, p.Arg254Ter (NM_001271781.2); short protein forms R254*, R255*, R293*, R346*.
Identifiers: ClinVar variation 2498933 (VCV002498933.28), dbSNP rs993885519, ClinGen allele CA75711537.